The following is an entry in ClinVar:

NM_000038.6(APC):c.8178T>G (p.Ile2726Met)

Gene: APC (APC regulator of Wnt signaling pathway; plus strand). Cytogenetic location: 5q22.2.
Variant type: single nucleotide variant.
Coding change: c.8178T>G on transcript NM_000038.6 (MANE Select); coding-DNA position 8178, T replaced by G.
Protein change: p.Ile2726Met; replaces isoleucine 2726 with methionine.
Molecular consequence: missense variant. On other transcripts: non-coding transcript variant (2).
Genome position (GRCh38, 1-based): chr5:112,843,772, T>G. VCF-style: chr5-112843772-T-G. GRCh37 (hg19) VCF-style: chr5-112179469-T-G.
Other names: c.8178T>G, p.Ile2726Met (NM_001127510.3, NM_001354895.2, NM_001407450.1); c.8124T>G, p.Ile2708Met (NM_001127511.3); c.8232T>G, p.Ile2744Met (NM_001354896.2, NM_001407447.1, NM_001407448.1 and 1 more transcripts); c.8208T>G, p.Ile2736Met (NM_001354897.2); c.8103T>G, p.Ile2701Met (NM_001354898.2); c.8094T>G, p.Ile2698Met (NM_001354899.2); c.8055T>G, p.Ile2685Met (NM_001354900.2); c.8001T>G, p.Ile2667Met (NM_001354901.2, NM_001407453.1); and 11 more; short protein forms I2625M, I2685M, I2443M, I2600M, I2667M, I2708M, I2736M, I2744M.
Identifiers: ClinVar variation 2819805 (VCV002819805.3), dbSNP rs1561621219, ClinGen allele CA16039084.

ClinVar aggregate classification (germline): Uncertain significance (1 of 4 stars; one submission).

Conditions:
Familial adenomatous polyposis 1 (FAP1). Also called: FAMILIAL ADENOMATOUS POLYPOSIS 1, ATTENUATED; POLYPOSIS, ADENOMATOUS INTESTINAL. Identifiers: MedGen C2713442, MONDO:0021056, OMIM 175100. Disease mechanism: loss of function.

Allele frequency attached by ClinVar (database versions not stated): gnomAD exomes below 0.00001.
gnomAD v4.1: 1 of 1,614,000 alleles (0.000062%); highest among the groups gnomAD compares: Non-Finnish European, 0.000085%; no homozygotes.

Submission:

Labcorp Genetics (formerly Invitae), Labcorp
Classification: Uncertain significance for Familial adenomatous polyposis 1. Last evaluated: 2022-12-10. Review status: criteria provided, single submitter. Criteria: Invitae Variant Classification Sherloc (09022015). Collection method: clinical testing. Allele origin: germline.
Comment: In summary, the available evidence is currently insufficient to determine the role of this variant in disease. Therefore, it has been classified as a Variant of Uncertain Significance. Advanced modeling of protein sequence and biophysical properties (such as structural, functional, and spatial information, amino acid conservation, physicochemical variation, residue mobility, and thermodynamic stability) performed at Invitae indicates that this missense variant is not expected to disrupt APC protein function. This variant has not been reported in the literature in individuals affected with APC-related conditions. This variant is not present in population databases (gnomAD no frequency). This sequence change replaces isoleucine, which is neutral and non-polar, with methionine, which is neutral and non-polar, at codon 2726 of the APC protein (p.Ile2726Met).